The following is an entry in ClinVar:

NM_000493.4(COL10A1):c.592C>T (p.Arg198Cys)

Genes: COL10A1 (collagen type X alpha 1 chain; minus strand), NT5DC1 (5'-nucleotidase domain containing 1; plus strand). Cytogenetic location: 6q22.1.
Variant type: single nucleotide variant.
Coding change: c.592C>T on transcript NM_000493.4 (MANE Select); coding-DNA position 592, C replaced by T.
Protein change: p.Arg198Cys; replaces arginine 198 with cysteine.
Molecular consequence: missense variant. On other transcripts: intron variant (1).
Genome position (GRCh38, 1-based): chr6:116,121,524, G>A on the plus strand (C>T on the coding strand, the complement: COL10A1 is on the minus strand). VCF-style: chr6-116121524-G-A. GRCh37 (hg19) VCF-style: chr6-116442687-G-A.
Other names: c.592C>T, p.Arg198Cys (NM_001424106.1, NM_001424107.1); c.529+3579G>A (NM_152729.3); short protein forms R198C.
Identifiers: ClinVar variation 1571266 (VCV001571266.10), dbSNP rs769103179, ClinGen allele CA3968370.
Genomic context (GRCh38, chr6:116,121,524, plus strand): 5'-CAGGAGGGCCAGATGGTCCTGTGGGACCCTGAGGGCCTGGAAGACCCCTCTCACCTGGAC[G>A]ACCAGGAGCACCATATCCCATTTCCCCTTTCTGTCCATTCATACCAGGGACTCCTGGTGC-3'
Protein context (NP_000484.2, residues 188-208): KGEMGYGAPG[Arg198Cys]PGERGLPGPQ

ClinVar aggregate classification (germline): Conflicting classifications of pathogenicity. Review status: criteria provided, conflicting classifications (1 of 4 stars). 3 submissions from 3 submitters: Uncertain significance (1); Likely benign (2). Last evaluated 2025-05-13.

Conditions:
Inborn genetic diseases. Identifiers: MedGen C0950123, MeSH D030342.

Allele frequency attached by ClinVar (database versions not stated): gnomAD 0.00001; gnomAD exomes 0.00002 and 0.00010; TOPMed 0.00002; ExAC 0.00010.
gnomAD v4.1: 34 of 1,613,948 alleles (0.0021%); highest among the groups gnomAD compares: East Asian, 0.051%; no homozygotes.

Submissions (3):

Women's Health and Genetics/Laboratory Corporation of America, LabCorp
Classification: Likely benign. Last evaluated: 2025-05-13. Review status: criteria provided, single submitter. Criteria: LabCorp Variant Classification Summary - May 2015. Collection method: clinical testing. Allele origin: germline.
Comment: Variant summary: COL10A1 c.592C>T (p.Arg198Cys) results in a non-conservative amino acid change in the encoded protein sequence. Algorithms developed to predict the effect of missense changes on protein structure and function are either unavailable or do not agree on the potential impact of this missense change. The variant allele was found at a frequency of 9.9e-05 in 251342 control chromosomes, predominantly at a frequency of 0.0011 within the East Asian subpopulation in the gnomAD database. c.592C>T has not been observed in individual(s) affected with Metaphyseal Chondrodysplasia, Schmid Type. To our knowledge, no experimental evidence demonstrating an impact on protein function has been reported. The following publication has been ascertained in the context of this evaluation (PMID: 28651521). ClinVar contains an entry for this variant (Variation ID: 1571266). Based on the evidence outlined above, the variant was classified as likely benign.

Labcorp Genetics (formerly Invitae), Labcorp
Classification: Likely benign. Last evaluated: 2024-02-24. Review status: criteria provided, single submitter. Criteria: Invitae Variant Classification Sherloc (09022015). Collection method: clinical testing. Allele origin: germline.

Ambry Genetics
Classification: Uncertain significance for Inborn genetic diseases. Last evaluated: 2021-07-06. Review status: criteria provided, single submitter. Criteria: Ambry Variant Classification Scheme 2023. Collection method: clinical testing. Allele origin: germline.

Literature cited by the submitters: PubMed 28651521 (cited by Women's Health and Genetics/Laboratory Corporation of America, LabCorp).